The following is an entry in ClinVar:

NM_017617.5(NOTCH1):c.2264A>G (p.Asn755Ser)

Gene: NOTCH1 (notch receptor 1; minus strand). Cytogenetic location: 9q34.3.
Variant type: single nucleotide variant.
Coding change: c.2264A>G on transcript NM_017617.5 (MANE Select); coding-DNA position 2264, A replaced by G.
Protein change: p.Asn755Ser; replaces asparagine 755 with serine.
Molecular consequence: missense variant.
Genome position (GRCh38, 1-based): chr9:136,513,481, T>C on the plus strand (A>G on the coding strand, the complement: NOTCH1 is on the minus strand). VCF-style: chr9-136513481-T-C. GRCh37 (hg19) VCF-style: chr9-139407933-T-C.
Other names: short protein forms N755S.
Identifiers: ClinVar variation 3710628 (VCV003710628.2).
Genomic context (GRCh38, chr9:136,513,481, plus strand): 5'-TAGCCACTGGTCATGTCTTTGCAGGTGCCGCCGTTGACACAAGGGTTGGATTCACACTCA[T>C]TGTTGTTGATGTCACAGTTGGTCCCACTCCACCCAGGGTCACAGTCGCACTTGTACCTGC-3'
Protein context (NP_060087.3, residues 745-765): WSGTNCDINN[Asn755Ser]ECESNPCVNG

ClinVar aggregate classification (germline): Uncertain significance (1 of 4 stars; one submission).

Conditions:
Adams-Oliver syndrome 5 (AOS5). Identifiers: Orphanet 974, MedGen C4014970, MONDO:0014459, OMIM 616028.

Submission:

Labcorp Genetics (formerly Invitae), Labcorp
Classification: Uncertain significance for Adams-Oliver syndrome 5. Last evaluated: 2025-03-18. Review status: criteria provided, single submitter. Criteria: Invitae Variant Classification Sherloc (09022015). Collection method: clinical testing. Allele origin: germline.
Comment: This sequence change replaces asparagine, which is neutral and polar, with serine, which is neutral and polar, at codon 755 of the NOTCH1 protein (p.Asn755Ser). This variant is not present in population databases (gnomAD no frequency). This variant has not been reported in the literature in individuals affected with NOTCH1-related conditions. Invitae Evidence Modeling of protein sequence and biophysical properties (such as structural, functional, and spatial information, amino acid conservation, physicochemical variation, residue mobility, and thermodynamic stability) has been performed for this missense variant. However, the output from this modeling did not meet the statistical confidence thresholds required to predict the impact of this variant on NOTCH1 protein function. In summary, the available evidence is currently insufficient to determine the role of this variant in disease. Therefore, it has been classified as a Variant of Uncertain Significance.